The following is an entry in ClinVar:

ClinVar aggregate classification (germline): Pathogenic (1 of 4 stars; one submission).

Conditions:
Okur-Chung neurodevelopmental syndrome (OCNDS). Identifiers: Orphanet 689422, MedGen C4310739, MONDO:0014893, OMIM 617062.

Submission:

Institute of Human Genetics, University of Leipzig Medical Center
Classification: Pathogenic for Okur-Chung neurodevelopmental syndrome. Last evaluated: 2026-01-14. Review status: criteria provided, single submitter. Criteria: ACMG Guidelines, 2015. Collection method: clinical testing. Allele origin: unknown. Inheritance: Autosomal dominant inheritance. Affected: yes.
Comment: Criteria applied: PVS1,PM2

NM_177559.3(CSNK2A1):c.254del (p.Leu85fs)

Gene: CSNK2A1 (casein kinase 2 alpha 1; minus strand). Cytogenetic location: 20p13.
Variant type: Deletion.
Coding change: c.254del on transcript NM_177559.3 (MANE Select); coding-DNA position 254, one base deleted (T; older notation c.254delT).
Protein change: p.Leu85fs; shifts the reading frame from leucine 85.
Molecular consequence: frameshift variant. On other transcripts: 5 prime UTR variant (1).
Genome position (GRCh38, 1-based): chr20:499,894, A deleted on the plus strand (T on the coding strand, the reverse complement: CSNK2A1 is on the minus strand); the first of 4 consecutive A bases (chr20:499,894-499,897); deleting any one gives the same sequence. VCF-style (leftmost placement, unchanged base first): chr20-499893-CA-C. GRCh37 (hg19) VCF-style: chr20-480537-CA-C.
Other names: c.254del, p.Leu85fs (NM_001362770.2, NM_001362771.2, NM_001895.4); c.-155del (NM_177560.3); short protein forms L85fs.
Identifiers: ClinVar variation 4819106 (VCV004819106.1).